The following is an entry in ClinVar:

ClinVar aggregate classification (germline): Uncertain significance (1 of 4 stars; one submission).

Conditions:
Inborn genetic diseases. Identifiers: MedGen C0950123, MeSH D030342.

Submission:

Ambry Genetics
Classification: Uncertain significance for Inborn genetic diseases. Last evaluated: 2025-01-16. Review status: criteria provided, single submitter. Criteria: Ambry Variant Classification Scheme 2023. Collection method: clinical testing. Allele origin: germline.
Comment: The p.D534H variant (also known as c.1600G>C), located in coding exon 10 of the FANCM gene, results from a G to C substitution at nucleotide position 1600. The aspartic acid at codon 534 is replaced by histidine, an amino acid with similar properties. This amino acid position is conserved. In addition, this alteration is predicted to be tolerated by in silico analysis. Based on the available evidence, the clinical significance of this variant remains unclear.

NM_020937.4(FANCM):c.1600G>C (p.Asp534His)

Gene: FANCM (FA complementation group M; plus strand). Cytogenetic location: 14q21.2.
Variant type: single nucleotide variant.
Coding change: c.1600G>C on transcript NM_020937.4 (MANE Select); coding-DNA position 1600, G replaced by C.
Protein change: p.Asp534His; replaces aspartic acid 534 with histidine.
Molecular consequence: missense variant.
Genome position (GRCh38, 1-based): chr14:45,164,377, G>C. VCF-style: chr14-45164377-G-C. GRCh37 (hg19) VCF-style: chr14-45633580-G-C.
Other names: c.1522G>C, p.Asp508His (NM_001308133.2); c.1600G>C, p.Asp534His (NM_001308134.2); short protein forms D508H, D534H.
Identifiers: ClinVar variation 3848633 (VCV003848633.1).
Genomic context (GRCh38, chr14:45,164,377, plus strand): 5'-TTACATTTGCATGTAGTTATTTTTCAATTGTTTTTATTTTAGGTAGTGAAACAGTTTCGT[G>C]ACGGTGGTTACAACACGCTGGTTTCTACCTGTGTGGGTGAAGAAGGTTTGGATATAGGAG-3'
Protein context (NP_065988.1, residues 524-544): EQLEVVKQFR[Asp534His]GGYNTLVSTC